The following is an entry in ClinVar:

ClinVar aggregate classification (germline): Uncertain significance. Review status: criteria provided, multiple submitters, no conflicts (2 of 4 stars). 2 submissions from 2 submitters: Uncertain significance (2). Last evaluated 2024-11-12.

Conditions:
Hereditary spastic paraplegia 53. Also called: Spastic paraplegia 53, autosomal recessive. Identifiers: Orphanet 319199, MedGen C3539494, MONDO:0013962, OMIM 614898.

Allele frequency attached by ClinVar (database versions not stated): 1000 Genomes Project 30x 0.00016; 1000 Genomes Project 0.00020; ESP Exome Variant Server 0.00038; gnomAD 0.00044 and 0.00051; TOPMed 0.00054.
gnomAD v4.1: 137 of 1,613,858 alleles (0.0085%); highest among the groups gnomAD compares: African/African-American, 0.16%; 1 homozygote.

Submissions (2):

Labcorp Genetics (formerly Invitae), Labcorp
Classification: Uncertain significance for Hereditary spastic paraplegia 53. Last evaluated: 2024-11-12. Review status: criteria provided, single submitter. Criteria: Invitae Variant Classification Sherloc (09022015). Collection method: clinical testing. Allele origin: germline.
Comment: This sequence change replaces alanine, which is neutral and non-polar, with serine, which is neutral and polar, at codon 388 of the VPS37A protein (p.Ala388Ser). This variant is present in population databases (rs146329558, gnomAD 0.2%), and has an allele count higher than expected for a pathogenic variant. This variant has not been reported in the literature in individuals affected with VPS37A-related conditions. ClinVar contains an entry for this variant (Variation ID: 663795). Invitae Evidence Modeling of protein sequence and biophysical properties (such as structural, functional, and spatial information, amino acid conservation, physicochemical variation, residue mobility, and thermodynamic stability) indicates that this missense variant is not expected to disrupt VPS37A protein function with a negative predictive value of 80%. In summary, the available evidence is currently insufficient to determine the role of this variant in disease. Therefore, it has been classified as a Variant of Uncertain Significance.

Ambry Genetics
Classification: Uncertain significance. Last evaluated: 2023-07-19. Review status: criteria provided, single submitter. Criteria: Ambry Variant Classification Scheme 2023. Collection method: clinical testing. Allele origin: germline.

NM_152415.3(VPS37A):c.1162G>T (p.Ala388Ser)

Gene: VPS37A (VPS37A subunit of ESCRT-I; plus strand). Cytogenetic location: 8p22.
Variant type: single nucleotide variant.
Coding change: c.1162G>T on transcript NM_152415.3 (MANE Select); coding-DNA position 1162, G replaced by T.
Protein change: p.Ala388Ser; replaces alanine 388 with serine.
Molecular consequence: missense variant.
Genome position (GRCh38, 1-based): chr8:17,286,395, G>T. VCF-style: chr8-17286395-G-T. GRCh37 (hg19) VCF-style: chr8-17143904-G-T.
Other names: c.1087G>T, p.Ala363Ser (NM_001145152.2); c.1144G>T, p.Ala382Ser (NM_001363167.1); c.892G>T, p.Ala298Ser (NM_001363168.1, NM_001363169.1); c.874G>T, p.Ala292Ser (NM_001363170.1, NM_001363171.1, NM_001363172.2); c.1162G>T, p.Ala388Ser (NM_001363173.2); short protein forms A292S, A298S, A382S, A388S, A363S.
Identifiers: ClinVar variation 663795 (VCV000663795.7), dbSNP rs146329558, ClinGen allele CA4643639.
Genomic context (GRCh38, chr8:17,286,395, plus strand): 5'-TTTATTTTCTAGATTTGCCACTGTAGAAGAGCCAAGGAAGAGAAACTTCAGCAGGCGATA[G>T]CAATGCACAGCCAATTTCATGCTCCACTATAGGTAAATTGTATTTCAAGTTTGAGTCTCA-3'
Protein context (NP_689628.2, residues 378-397): AKEEKLQQAI[Ala388Ser]MHSQFHAPL